The following is an entry in ClinVar:

NM_177438.3(DICER1):c.2629T>C (p.Cys877Arg)

Gene: DICER1 (dicer 1, ribonuclease III; minus strand). Cytogenetic location: 14q32.13.
Variant type: single nucleotide variant.
Coding change: c.2629T>C on transcript NM_177438.3 (MANE Select); coding-DNA position 2629, T replaced by C.
Protein change: p.Cys877Arg; replaces cysteine 877 with arginine.
Molecular consequence: missense variant.
Genome position (GRCh38, 1-based): chr14:95,107,901, A>G on the plus strand (T>C on the coding strand, the complement: DICER1 is on the minus strand). VCF-style: chr14-95107901-A-G. GRCh37 (hg19) VCF-style: chr14-95574238-A-G.
Other names: c.2629T>C, p.Cys877Arg (NM_001195573.1, NM_001271282.3, NM_001291628.2 and 1 more transcripts); short protein forms C877R.
Identifiers: ClinVar variation 821563 (VCV000821563.7), dbSNP rs1411395826, ClinGen allele CA390881205.

ClinVar aggregate classification (germline): Uncertain significance. Review status: criteria provided, multiple submitters, no conflicts (2 of 4 stars). 2 submissions from 2 submitters: Uncertain significance (2). Last evaluated 2025-04-29.

Conditions:
DICER1-related tumor predisposition. Also called: DICER1-related pleuropulmonary blastoma cancer predisposition syndrome; DICER1 syndrome. Identifiers: Orphanet 284343, MedGen C3839822, MONDO:0100216.
Hereditary cancer-predisposing syndrome. Also called: Hereditary Cancer Syndrome; Neoplastic Syndromes, Hereditary; Hereditary neoplastic syndrome; Tumor predisposition. Identifiers: Orphanet 140162, MedGen C0027672, MeSH D009386, MONDO:0015356.

gnomAD v4.1: 1 of 1,614,004 alleles (0.000062%); highest among the groups gnomAD compares: Non-Finnish European, 0.000085%; no homozygotes.

Submissions (2):

Labcorp Genetics (formerly Invitae), Labcorp
Classification: Uncertain significance for DICER1-related tumor predisposition. Last evaluated: 2025-04-29. Review status: criteria provided, single submitter. Criteria: Invitae Variant Classification Sherloc (09022015). Collection method: clinical testing. Allele origin: germline.
Comment: This sequence change replaces cysteine, which is neutral and slightly polar, with arginine, which is basic and polar, at codon 877 of the DICER1 protein (p.Cys877Arg). This variant is not present in population databases (gnomAD no frequency). This variant has not been reported in the literature in individuals affected with DICER1-related conditions. ClinVar contains an entry for this variant (Variation ID: 821563). Invitae Evidence Modeling of protein sequence and biophysical properties (such as structural, functional, and spatial information, amino acid conservation, physicochemical variation, residue mobility, and thermodynamic stability) indicates that this missense variant is not expected to disrupt DICER1 protein function with a negative predictive value of 95%. In summary, the available evidence is currently insufficient to determine the role of this variant in disease. Therefore, it has been classified as a Variant of Uncertain Significance.

Ambry Genetics
Classification: Uncertain significance for Hereditary cancer-predisposing syndrome. Last evaluated: 2024-11-05. Review status: criteria provided, single submitter. Criteria: Ambry Variant Classification Scheme 2023. Collection method: clinical testing. Allele origin: germline.
Comment: The p.C877R variant (also known as c.2629T>C), located in coding exon 15 of the DICER1 gene, results from a T to C substitution at nucleotide position 2629. The cysteine at codon 877 is replaced by arginine, an amino acid with highly dissimilar properties. This amino acid position is highly conserved in available vertebrate species. In addition, this alteration is predicted to be deleterious by in silico analysis. Since supporting evidence is limited at this time, the clinical significance of this alteration remains unclear.